The following is an entry in ClinVar:

ClinVar aggregate classification (germline): Uncertain significance. Review status: criteria provided, multiple submitters, no conflicts (2 of 4 stars). 2 submissions from 2 submitters: Uncertain significance (2). Last evaluated 2025-09-18.

Conditions:
3-hydroxyisobutyryl-CoA hydrolase deficiency. Also called: HIBCH DEFICIENCY; METHACRYLIC ACID TOXICITY; METHACRYLIC ACIDURIA; VALINE METABOLIC DEFECT; Reduced circulating 3-hydroxyisobutyryl-CoA hydrolase activity; Deficiency of 3-hydroxyisobutyryl CoA hydrolase. Identifiers: Orphanet 88639, MedGen C0342738, MONDO:0009603, OMIM 250620, HP:6000215.

gnomAD v4.1: 25 of 1,613,874 alleles (0.0015%); highest among the groups gnomAD compares: South Asian, 0.025%; no homozygotes.

Submissions (2):

Labcorp Genetics (formerly Invitae), Labcorp
Classification: Uncertain significance for 3-hydroxyisobutyryl-CoA hydrolase deficiency. Last evaluated: 2025-09-18. Review status: criteria provided, single submitter. Criteria: Invitae Variant Classification Sherloc (09022015). Collection method: clinical testing. Allele origin: germline.
Comment: This sequence change replaces serine, which is neutral and polar, with threonine, which is neutral and polar, at codon 219 of the HIBCH protein (p.Ser219Thr). This variant is present in population databases (rs549704517, gnomAD 0.01%). This variant has not been reported in the literature in individuals affected with HIBCH-related conditions. Invitae Evidence Modeling of protein sequence and biophysical properties (such as structural, functional, and spatial information, amino acid conservation, physicochemical variation, residue mobility, and thermodynamic stability) indicates that this missense variant is not expected to disrupt HIBCH protein function with a negative predictive value of 80%. In summary, the available evidence is currently insufficient to determine the role of this variant in disease. Therefore, it has been classified as a Variant of Uncertain Significance.

Blueprint Genetics
Classification: Uncertain significance. Last evaluated: 2024-09-25. Review status: criteria provided, single submitter. Criteria: ACMG Guidelines, 2015. Collection method: clinical testing. Allele origin: germline.

NM_014362.4(HIBCH):c.655T>A (p.Ser219Thr)

Gene: HIBCH (3-hydroxyisobutyryl-CoA hydrolase; minus strand). Cytogenetic location: 2q32.2.
Variant type: single nucleotide variant.
Coding change: c.655T>A on transcript NM_014362.4 (MANE Select); coding-DNA position 655, T replaced by A.
Protein change: p.Ser219Thr; replaces serine 219 with threonine.
Molecular consequence: missense variant.
Genome position (GRCh38, 1-based): chr2:190,252,170, A>T on the plus strand (T>A on the coding strand, the complement: HIBCH is on the minus strand). VCF-style: chr2-190252170-A-T. GRCh37 (hg19) VCF-style: chr2-191116896-A-T.
Other names: c.655T>A, p.Ser219Thr (NM_198047.3); short protein forms S219T.
Identifiers: ClinVar variation 4743266 (VCV004743266.2).